The following is an entry in ClinVar:

ClinVar aggregate classification (germline): Uncertain significance (1 of 4 stars; one submission).

Submission:

GeneDx
Classification: Uncertain significance. Last evaluated: 2026-04-24. Review status: criteria provided, single submitter. Criteria: GeneDx Variant Classification Process June 2021. Collection method: clinical testing. Allele origin: germline.
Comment: Not observed at significant frequency in large population cohorts (gnomAD); In silico analysis supports that this missense variant has a deleterious effect on protein structure/function; Has not been previously published as pathogenic or benign to our knowledge

NM_001367561.1(DOCK7):c.5627G>T (p.Arg1876Ile)

Gene: DOCK7 (dedicator of cytokinesis 7; minus strand). Cytogenetic location: 1p31.3.
Variant type: single nucleotide variant.
Coding change: c.5627G>T on transcript NM_001367561.1 (MANE Select); coding-DNA position 5627, G replaced by T.
Protein change: p.Arg1876Ile; replaces arginine 1876 with isoleucine.
Molecular consequence: missense variant.
Genome position (GRCh38, 1-based): chr1:62,477,707, C>A on the plus strand (G>T on the coding strand, the complement: DOCK7 is on the minus strand). VCF-style: chr1-62477707-C-A. GRCh37 (hg19) VCF-style: chr1-62943378-C-A.
Other names: c.5594G>T, p.Arg1865Ile (NM_001271999.2); c.5507G>T, p.Arg1836Ile (NM_001272000.2); c.5501G>T, p.Arg1834Ile (NM_001272001.2); c.5600G>T, p.Arg1867Ile (NM_001330614.2); c.5534G>T, p.Arg1845Ile (NM_033407.4); short protein forms R1834I, R1836I, R1845I, R1865I, R1867I, R1876I.
Identifiers: ClinVar variation 5037485 (VCV005037485.1).